The following is an entry in ClinVar:

NM_000392.5(ABCC2):c.3258+1G>A

Gene: ABCC2 (ATP binding cassette subfamily C member 2; plus strand). Cytogenetic location: 10q24.2.
Variant type: single nucleotide variant.
Coding change: c.3258+1G>A on transcript NM_000392.5 (MANE Select); the canonical splice donor site of the intron after coding-DNA position 3258, G replaced by A.
Molecular consequence: splice donor variant.
Genome position (GRCh38, 1-based): chr10:99,832,132, G>A. VCF-style: chr10-99832132-G-A. GRCh37 (hg19) VCF-style: chr10-101591889-G-A.
Other names: c.3258+1G>A (NM_000392.4).
Identifiers: ClinVar variation 498429 (VCV000498429.24), dbSNP rs762243203, ClinGen allele CA5643732.
Genomic context (GRCh38, chr10:99,832,132, plus strand): 5'-GCACCTATGAGATTTTTTGACACAACACCCACAGGCCGGATTGTGAACAGGTTTGCCGGC[G>A]TAAGTATCTCAAGAACTGTCAGGTGGTGTGTTTATATACTGAGGATCTTTCTGATAGGGA-3'

ClinVar aggregate classification (germline): Pathogenic/Likely pathogenic. Review status: criteria provided, multiple submitters, no conflicts (2 of 4 stars). 10 submissions from 10 submitters: Pathogenic (8); Likely pathogenic (2). Last evaluated 2026-08-17.

Conditions:
ABCC2-related disorder. Also called: ABCC2-related condition.
Dubin-Johnson syndrome (DJS). Also called: HYPERBILIRUBINEMIA, DUBIN-JOHNSON TYPE; Hyperbilirubinemia type 2; Jaundice, Chronic Idiopathic. Identifiers: Orphanet 234, MedGen C0022350, MONDO:0009380, OMIM 237500.

Allele frequency attached by ClinVar (database versions not stated): ExAC 0.00007; gnomAD exomes 0.00008; gnomAD 0.00015 and 0.00017; TOPMed 0.00035.
gnomAD v4.1: 76 of 1,614,038 alleles (0.0047%); highest among the groups gnomAD compares: Admixed American, 0.053%; no homozygotes.

Submissions (10):

PreventionGenetics, part of Exact Sciences
Classification: Pathogenic for ABCC2-related condition. Last evaluated: 2026-08-17. Review status: criteria provided, single submitter. Criteria: ACMG Guidelines, 2015. Collection method: clinical testing. Allele origin: germline.
Comment: The ABCC2 c.3258+1G>A variant is predicted to disrupt the GT donor site and interfere with normal splicing. This variant, in the homozygous state or along with a second variant in this gene, has been reported in two patients with Dubin-Johnson syndrome (Sticova et al. 2013. PubMed ID: 23429660; Al-Hussaini et al. 2021. PubMed ID: 34858902). This variant is reported in 0.017% of alleles in individuals of Latino descent in gnomAD. Variants that disrupt the consensus splice donor site in ABCC2 are expected to be pathogenic. This variant is interpreted as pathogenic.

GeneDx
Classification: Pathogenic. Last evaluated: 2026-07-28. Review status: criteria provided, single submitter. Criteria: GeneDx Variant Classification Process June 2021. Collection method: clinical testing. Allele origin: germline.
Comment: Canonical splice site variant predicted to result in a null allele in a gene for which loss of function is a known mechanism of disease; This variant is associated with the following publications: (PMID: 34858902, 23429660, 34426522, 31589614, 26689913, 33534365, 39806568)

Labcorp Genetics (formerly Invitae), Labcorp
Classification: Pathogenic. Last evaluated: 2026-01-18. Review status: criteria provided, single submitter. Criteria: Invitae Variant Classification Sherloc (09022015). Collection method: clinical testing. Allele origin: germline.
Comment: This sequence change affects a donor splice site in intron 23 of the ABCC2 gene. It is expected to disrupt RNA splicing. Variants that disrupt the donor or acceptor splice site typically lead to a loss of protein function (PMID: 16199547), and loss-of-function variants in ABCC2 are known to be pathogenic (PMID: 9185779, 16549534, 16952291). This variant is present in population databases (rs762243203, gnomAD 0.02%). Disruption of this splice site has been observed in individuals with clinical features of Dubin-Johnson syndrome (PMID: 23429660, 34858902; internal data). ClinVar contains an entry for this variant (Variation ID: 498429). Algorithms developed to predict the effect of sequence changes on RNA splicing suggest that this variant may disrupt the consensus splice site. For these reasons, this variant has been classified as Pathogenic.

3billion
Classification: Pathogenic for Dubin-Johnson syndrome. Last evaluated: 2026-01-11. Review status: criteria provided, single submitter. Criteria: ACMG Guidelines, 2015. Collection method: clinical testing. Allele origin: germline. Affected: yes.
Comment: The variant is observed at an extremely low frequency in the gnomAD v4.1.0 dataset (total allele frequency: 0.005%). Predicted Consequence/Location: Canonical splice site: predicted to alter splicing and result in a loss or disruption of normal protein function. Multiple pathogenic loss-of-function variants are reported downstream of the variant. In silico tools predict the variant to alter splicing and produce an abnormal transcript [SpliceAI: 0.99 (spliceogenicity >=0.2, non-spliceogenicity <0.1)]. The variant has been reported at least twice as pathogenic with clinical assertions and evidence for the classification (ClinVar ID: VCV000498429 /PMID: 23429660). Therefore, this variant is classified as Pathogenic according to the recommendation of ACMG/AMP guideline.

Genomic Medicine Center of Excellence, King Faisal Specialist Hospital and Research Centre
Classification: Pathogenic for Dubin-Johnson syndrome. Last evaluated: 2024-09-22. Review status: criteria provided, single submitter. Criteria: ACMG Guidelines, 2015. Collection method: clinical testing. Allele origin: germline.

Blueprint Genetics
Classification: Pathogenic for ABCC2-related disorders. Last evaluated: 2024-09-16. Review status: criteria provided, single submitter. Criteria: ACMG Guidelines, 2015. Collection method: clinical testing. Allele origin: germline. Affected: yes. Observed: 5 variant alleles.

Fulgent Genetics
Classification: Likely pathogenic for Dubin-Johnson syndrome. Last evaluated: 2024-05-07. Review status: criteria provided, single submitter. Criteria: ACMG Guidelines, 2015. Collection method: clinical testing. Allele origin: germline.

Department of Pathology and Laboratory Medicine, Sinai Health System
Classification: Pathogenic for Dubin-Johnson syndrome. Last evaluated: 2023-02-26. Review status: criteria provided, single submitter. Criteria: ACMG Guidelines, 2015. Collection method: research. Allele origin: germline.

Mayo Clinic Laboratories, Mayo Clinic
Classification: Likely pathogenic. Last evaluated: 2022-07-01. Review status: criteria provided, single submitter. Criteria: ACMG Guidelines, 2015. Collection method: clinical testing. Allele origin: germline. Observed: 1 variant allele.
Comment: PM2, PM3_supporting, PVS1

Eurofins Ntd Llc (ga)
Classification: Pathogenic. Last evaluated: 2018-04-17. Review status: criteria provided, single submitter. Criteria: EGL ClinVar v180209 classification definitions. Collection method: clinical testing. Allele origin: germline. Observed: 5 variant alleles, 4 heterozygotes, 1 homozygote.

Literature cited by the submitters: PubMed 16199547 (cited by Labcorp Genetics (formerly Invitae), Labcorp); PubMed 9185779 (cited by Labcorp Genetics (formerly Invitae), Labcorp); PubMed 16549534 (cited by Labcorp Genetics (formerly Invitae), Labcorp); PubMed 16952291 (cited by Labcorp Genetics (formerly Invitae), Labcorp); PubMed 23429660 (cited by 3 submitters); PubMed 34858902 (cited by Labcorp Genetics (formerly Invitae), Labcorp and Mayo Clinic Laboratories, Mayo Clinic).